The following is an entry in ClinVar:

NM_080425.4(GNAS):c.1394_1395insCGGGCCGCCCCGGAGTCGGGATCGGCTGGGGCGTCA (p.Pro465_Asp466insGlyProProArgSerArgAspArgLeuGlyArgGln)

Gene: GNAS (GNAS complex locus; plus strand). Cytogenetic location: 20q13.32.
Variant type: Insertion.
Coding change: c.1394_1395insCGGGCCGCCCCGGAGTCGGGATCGGCTGGGGCGTCA on transcript NM_080425.4 (MANE Plus Clinical); coding-DNA positions 1394 to 1395, CGGGCCGCCCCGGAGTCGGGATCGGCTGGGGCGTCA inserted.
Protein change: p.Pro465_Asp466insGlyProProArgSerArgAspArgLeuGlyArgGln.
Molecular consequence: inframe insertion. On other transcripts: inframe indel (2), intron variant (3).
Genome position: GRCh38: chr20:58,854,659-58,854,660. GRCh37 (hg19): chr20:57,429,714-57,429,715.
Other names: c.1207_1208insCGGGCCGCCCCGGAGTCGGGATCGGCTGGGGCGTCA, p.Gln403delinsProGlyArgProGlyValGlyIleGlyTrpGlyValLys (NM_001077490.3, NM_001309883.1); c.1394_1395insCGGGCCGCCCCGGAGTCGGGATCGGCTGGGGCGTCA, p.Pro465_Asp466insGlyProProArgSerArgAspArgLeuGlyArgGln (NM_001410913.1); c.*42+13773_*42+13774insCGGGCCGCCCCGGAGTCGGGATCGGCTGGGGCGTCA (NM_016592.5); c.43+13773_43+13774insCGGGCCGCCCCGGAGTCGGGATCGGCTGGGGCGTCA (NM_001410912.1); c.-39+12784_-39+12785insCGGGCCGCCCCGGAGTCGGGATCGGCTGGGGCGTCA (NM_001309861.2).
Identifiers: ClinVar variation 3765134 (VCV003765134.1).

ClinVar aggregate classification (germline): Benign (1 of 4 stars; one submission).

Submission:

Center for Genomic Medicine, Rigshospitalet, Copenhagen University Hospital
Classification: Benign. Last evaluated: 2025-03-04. Review status: criteria provided, single submitter. Criteria: ACMG Guidelines, 2015. Collection method: clinical testing. Allele origin: germline.
Comment: Classification criteria: BA1